The following is an entry in ClinVar:

NM_005076.5(CNTN2):c.1033C>T (p.Arg345Cys)

Gene: CNTN2 (contactin 2; plus strand). Cytogenetic location: 1q32.1.
Variant type: single nucleotide variant.
Coding change: c.1033C>T on transcript NM_005076.5 (MANE Select); coding-DNA position 1033, C replaced by T.
Protein change: p.Arg345Cys; replaces arginine 345 with cysteine.
Molecular consequence: missense variant. On other transcripts: non-coding transcript variant (1).
Genome position (GRCh38, 1-based): chr1:205,061,924, C>T. VCF-style: chr1-205061924-C-T. GRCh37 (hg19) VCF-style: chr1-205031052-C-T.
Other names: c.1033C>T (NM_005076.3); c.1033C>T, p.Arg345Cys (NM_001346083.2); short protein forms R345C.
Identifiers: ClinVar variation 1059463 (VCV001059463.8), dbSNP rs764472036, ClinGen allele CA1351233.
Genomic context (GRCh38, chr1:205,061,924, plus strand): 5'-GCTCAGCCTGAGTGGCTAAAAGTGATCTCGGACACAGAGGCTGACATTGGCTCCAACCTG[C>T]GTTGGGGCTGTGCAGCCGCCGGCAAGCCCCGGCCTACAGTGCGCTGGCTGCGGAACGGGG-3'
Protein context (NP_005067.1, residues 335-355): DTEADIGSNL[Arg345Cys]WGCAAAGKPR

ClinVar aggregate classification (germline): Uncertain significance. Review status: criteria provided, multiple submitters, no conflicts (2 of 4 stars). 2 submissions from 2 submitters: Uncertain significance (2). Last evaluated 2025-09-10.

Conditions:
Epilepsy, familial adult myoclonic, 5 (EPEO5). Also called: CORTICAL MYOCLONIC TREMOR WITH EPILEPSY, FAMILIAL, 5. Identifiers: Orphanet 86814, MedGen C3809374, MONDO:0014167, OMIM 615400.

Allele frequency attached by ClinVar (database versions not stated): gnomAD exomes 0.00001 and 0.00002; ExAC 0.00002.
gnomAD v4.1: 12 of 1,606,352 alleles (0.00075%); highest among the groups gnomAD compares: South Asian, 0.0033%; no homozygotes.

Submissions (2):

Ambry Genetics
Classification: Uncertain significance. Last evaluated: 2025-09-10. Review status: criteria provided, single submitter. Criteria: Ambry Variant Classification Scheme 2023. Collection method: clinical testing. Allele origin: germline.

Labcorp Genetics (formerly Invitae), Labcorp
Classification: Uncertain significance for Epilepsy, familial adult myoclonic, 5. Last evaluated: 2021-08-13. Review status: criteria provided, single submitter. Criteria: Invitae Variant Classification Sherloc (09022015). Collection method: clinical testing. Allele origin: germline.
Comment: This sequence change replaces arginine with cysteine at codon 345 of the CNTN2 protein (p.Arg345Cys). The arginine residue is moderately conserved and there is a large physicochemical difference between arginine and cysteine. This variant is present in population databases (rs764472036, ExAC 0.009%). This variant has not been reported in the literature in individuals affected with CNTN2-related conditions. Algorithms developed to predict the effect of missense changes on protein structure and function are either unavailable or do not agree on the potential impact of this missense change (SIFT: "Deleterious"; PolyPhen-2: "Benign"; Align-GVGD: "Class C0"). In summary, the available evidence is currently insufficient to determine the role of this variant in disease. Therefore, it has been classified as a Variant of Uncertain Significance.